The following is an entry in ClinVar:

ClinVar aggregate classification (germline): Uncertain significance (1 of 4 stars; one submission).

Submission:

GeneDx
Classification: Uncertain significance. Last evaluated: 2025-07-15. Review status: criteria provided, single submitter. Criteria: GeneDx Variant Classification Process June 2021. Collection method: clinical testing. Allele origin: germline. Affected: yes.
Comment: Not observed in large population cohorts (gnomAD); Frameshift variant predicted to result in protein truncation as the last 277 amino acids are replaced with 35 different amino acids, although loss-of-function variants have not been reported downstream of this position in the protein; Has not been previously published as pathogenic or benign to our knowledge

NM_019842.4(KCNQ5):c.1966_1969del (p.Asp656fs)

Gene: KCNQ5 (potassium voltage-gated channel subfamily Q member 5; plus strand). Cytogenetic location: 6q13.
Variant type: Deletion.
Coding change: c.1966_1969del on transcript NM_019842.4 (MANE Select); coding-DNA positions 1966 to 1969, 4 bases deleted (GACT; older notation c.1966_1969delGACT).
Protein change: p.Asp656fs; shifts the reading frame from aspartic acid 656.
Molecular consequence: frameshift variant.
Genome position (GRCh38, 1-based): chr6:73,194,581-73,194,584, GACT deleted; deleting any 4 consecutive bases within chr6:73,194,579-73,194,584 gives the same sequence; the c. name uses the placement nearest the transcript's 3' end. VCF-style (leftmost placement, unchanged base first): chr6-73194578-TCTGA-T. GRCh37 (hg19) VCF-style: chr6-73904301-TCTGA-T.
Other names: c.1939_1942del, p.Asp647fs (NM_001160130.2); c.1996_1999del, p.Asp666fs (NM_001160132.2); c.2023_2026del, p.Asp675fs (NM_001160133.2); c.1636_1639del, p.Asp546fs (NM_001160134.2); short protein forms D546fs, D647fs, D656fs, D666fs, D675fs.
Identifiers: ClinVar variation 1314685 (VCV001314685.3), dbSNP rs2150527621, ClinGen allele CA2573052731.